The following is an entry in ClinVar:

ClinVar aggregate classification (germline): Uncertain significance. Review status: criteria provided, multiple submitters, no conflicts (2 of 4 stars). 6 submissions from 6 submitters: Uncertain significance (6). Last evaluated 2026-01-19.

Conditions:
Erythrokeratodermia variabilis et progressiva 6. Identifiers: MedGen C5193144, MONDO:0032801, OMIM 618531.
Progressive familial heart block type IB (PFHB1B). Identifiers: Orphanet 871, MedGen C1970298, MONDO:0011474, OMIM 604559.
Cardiovascular phenotype. Identifiers: MedGen CN230736.

Allele frequency attached by ClinVar (database versions not stated): gnomAD 0.00004 and 0.00005; TOPMed 0.00005; ESP Exome Variant Server 0.00008.
gnomAD v4.1: 28 of 1,614,110 alleles (0.0017%); highest among the groups gnomAD compares: Non-Finnish European, 0.00025%; no homozygotes.

Submissions (6):

Labcorp Genetics (formerly Invitae), Labcorp
Classification: Uncertain significance for Progressive familial heart block type IB. Last evaluated: 2026-01-19. Review status: criteria provided, single submitter. Criteria: Invitae Variant Classification Sherloc (09022015). Collection method: clinical testing. Allele origin: germline.
Comment: This sequence change replaces arginine, which is basic and polar, with glycine, which is neutral and non-polar, at codon 1062 of the TRPM4 protein (p.Arg1062Gly). This variant is present in population databases (rs375523320, gnomAD 0.06%). This variant has not been reported in the literature in individuals affected with TRPM4-related conditions. ClinVar contains an entry for this variant (Variation ID: 847339). An algorithm developed to predict the effect of missense changes on protein structure and function (PolyPhen-2) suggests that this variant is likely to be disruptive. In summary, the available evidence is currently insufficient to determine the role of this variant in disease. Therefore, it has been classified as a Variant of Uncertain Significance.

GeneDx
Classification: Uncertain significance. Last evaluated: 2025-05-07. Review status: criteria provided, single submitter. Criteria: GeneDx Variant Classification Process June 2021. Collection method: clinical testing. Allele origin: germline. Affected: yes.
Comment: Has not been previously published as pathogenic or benign to our knowledge; In silico analysis supports that this missense variant has a deleterious effect on protein structure/function; This variant is associated with the following publications: (PMID: 38100498)

Ambry Genetics
Classification: Uncertain significance for Cardiovascular phenotype. Last evaluated: 2025-05-05. Review status: criteria provided, single submitter. Criteria: Ambry Variant Classification Scheme 2023. Collection method: clinical testing. Allele origin: germline.
Comment: The p.R1062G variant (also known as c.3184C>G), located in coding exon 21 of the TRPM4 gene, results from a C to G substitution at nucleotide position 3184. The arginine at codon 1062 is replaced by glycine, an amino acid with dissimilar properties. This amino acid position is highly conserved in available vertebrate species. In addition, this alteration is predicted to be deleterious by in silico analysis. Since supporting evidence is limited at this time, the clinical significance of this alteration remains unclear.

Department of Pathology and Laboratory Medicine, Sinai Health System
Classification: Uncertain significance for Progressive familial heart block type IB; Erythrokeratodermia variabilis et progressiva 6. Last evaluated: 2023-05-10. Review status: criteria provided, single submitter. Criteria: ACMG Guidelines, 2015. Collection method: research. Allele origin: germline.

Fulgent Genetics
Classification: Uncertain significance for Progressive familial heart block type IB; Erythrokeratodermia variabilis et progressiva 6. Last evaluated: 2021-10-26. Review status: criteria provided, single submitter. Criteria: ACMG Guidelines, 2015. Collection method: clinical testing. Allele origin: unknown.

Illumina Laboratory Services, Illumina
Classification: Uncertain significance for Progressive familial heart block type IB. Last evaluated: 2018-01-17. Review status: criteria provided, single submitter. Criteria: ICSL Variant Classification Criteria 13 December 2019. Collection method: clinical testing. Allele origin: germline.

NM_017636.4(TRPM4):c.3184C>G (p.Arg1062Gly)

Gene: TRPM4 (transient receptor potential cation channel subfamily M member 4; plus strand). Cytogenetic location: 19q13.33.
Variant type: single nucleotide variant.
Coding change: c.3184C>G on transcript NM_017636.4 (MANE Select); coding-DNA position 3184, C replaced by G.
Protein change: p.Arg1062Gly; replaces arginine 1062 with glycine.
Molecular consequence: missense variant.
Genome position (GRCh38, 1-based): chr19:49,210,261, C>G. VCF-style: chr19-49210261-C-G. GRCh37 (hg19) VCF-style: chr19-49713518-C-G.
Other names: c.2749C>G, p.Arg917Gly (NM_001195227.2); c.2839C>G, p.Arg947Gly (NM_001321281.2); c.1576C>G, p.Arg526Gly (NM_001321282.2); c.2662C>G, p.Arg888Gly (NM_001321283.2); c.2122C>G, p.Arg708Gly (NM_001321285.2); short protein forms R947G, R526G, R888G, R917G, R708G, R1062G.
Identifiers: ClinVar variation 847339 (VCV000847339.20), dbSNP rs375523320, ClinGen allele CA9569807.